The following is an entry in ClinVar:

NM_017882.3(CLN6):c.269A>T (p.Asn90Ile)

Gene: CLN6 (CLN6 transmembrane ER protein; minus strand). Cytogenetic location: 15q23.
Variant type: single nucleotide variant.
Coding change: c.269A>T on transcript NM_017882.3 (MANE Select); coding-DNA position 269, A replaced by T.
Protein change: p.Asn90Ile; replaces asparagine 90 with isoleucine.
Molecular consequence: missense variant.
Genome position (GRCh38, 1-based): chr15:68,214,318, T>A on the plus strand (A>T on the coding strand, the complement: CLN6 is on the minus strand). VCF-style: chr15-68214318-T-A. GRCh37 (hg19) VCF-style: chr15-68506656-T-A.
Other names: short protein forms N90I.
Identifiers: ClinVar variation 1483746 (VCV001483746.6), dbSNP rs2141141464, ClinGen allele CA392974366.

ClinVar aggregate classification (germline): Uncertain significance (1 of 4 stars; one submission).

Conditions:
Neuronal ceroid lipofuscinosis. Also called: Neuronal Ceroid Lipofuscinoses. Identifiers: Orphanet 216, Orphanet 79263, MedGen C0027877, MONDO:0016295. Disease mechanism: loss of function.

Submission:

Labcorp Genetics (formerly Invitae), Labcorp
Classification: Uncertain significance for Neuronal ceroid lipofuscinosis. Last evaluated: 2023-11-13. Review status: criteria provided, single submitter. Criteria: Invitae Variant Classification Sherloc (09022015). Collection method: clinical testing. Allele origin: germline.
Comment: This sequence change replaces asparagine, which is neutral and polar, with isoleucine, which is neutral and non-polar, at codon 90 of the CLN6 protein (p.Asn90Ile). This variant is not present in population databases (gnomAD no frequency). This variant has not been reported in the literature in individuals affected with CLN6-related conditions. ClinVar contains an entry for this variant (Variation ID: 1483746). Advanced modeling of protein sequence and biophysical properties (such as structural, functional, and spatial information, amino acid conservation, physicochemical variation, residue mobility, and thermodynamic stability) performed at Invitae indicates that this missense variant is not expected to disrupt CLN6 protein function with a negative predictive value of 80%. In summary, the available evidence is currently insufficient to determine the role of this variant in disease. Therefore, it has been classified as a Variant of Uncertain Significance.